The following is an entry in ClinVar:

NM_001256789.3(CACNA1F):c.5349del (p.Thr1784fs)

Gene: CACNA1F (calcium voltage-gated channel subunit alpha1 F; minus strand). Cytogenetic location: Xp11.23.
Variant type: Deletion.
Coding change: c.5349del on transcript NM_001256789.3 (MANE Select); coding-DNA position 5349, one base deleted (C; older notation c.5349delC).
Protein change: p.Thr1784fs; shifts the reading frame from threonine 1784.
Molecular consequence: frameshift variant.
Genome position (GRCh38, 1-based): chrX:49,206,738, G deleted on the plus strand (C on the coding strand, the reverse complement: CACNA1F is on the minus strand); the first of 6 consecutive G bases (chrX:49,206,738-49,206,743); deleting any one gives the same sequence. VCF-style (leftmost placement, unchanged base first): chrX-49206737-TG-T. GRCh37 (hg19) VCF-style: chrX-49063198-TG-T.
Other names: c.5187del, p.Thr1730fs (NM_001256790.3); c.5382del, p.Thr1795fs (NM_005183.4); short protein forms T1795fs, T1730fs, T1784fs.
Identifiers: ClinVar variation 2759444 (VCV002759444.3), dbSNP rs2520693732, ClinGen allele CA2579606939.
Genomic context (GRCh38, chrX:49,206,737, plus strand): 5'-TCTCTGTCCTGCAGGCCCGTGGGGGCCCCTTGGATCCATCCCTGCTCTCACCTGCAGGTG[TG>T]GGGGGCAGCAGACGGCGGCGTGGTACCAGGTGCCCATCCATGTATCTCTGAGCTCTGTGA-3'

ClinVar aggregate classification (germline): Uncertain significance (1 of 4 stars; one submission).

Submission:

Labcorp Genetics (formerly Invitae), Labcorp
Classification: Uncertain significance. Last evaluated: 2023-09-09. Review status: criteria provided, single submitter. Criteria: Invitae Variant Classification Sherloc (09022015). Collection method: clinical testing. Allele origin: germline.
Comment: This variant has not been reported in the literature in individuals affected with CACNA1F-related conditions. This variant is not present in population databases (gnomAD no frequency). This sequence change creates a premature translational stop signal (p.Thr1795Hisfs*137) in the CACNA1F gene. While this is not anticipated to result in nonsense mediated decay, it is expected to disrupt the last 183 amino acid(s) of the CACNA1F protein. In summary, the available evidence is currently insufficient to determine the role of this variant in disease. Therefore, it has been classified as a Variant of Uncertain Significance. This variant disrupts the C-terminus of the CACNA1F protein. Other variant(s) that disrupt this region (p.Leu1817Serfs*113, p.His1889Metfs*43) have been observed in individuals with CACNA1F-related conditions (PMID: 11281458; Invitae). This suggests that this may be a clinically significant region of the protein.

Literature cited by the submitters: PubMed 11281458.